The following is an entry in ClinVar:

NM_000193.4(SHH):c.-125G>A

Gene: SHH (sonic hedgehog signaling molecule; minus strand). Cytogenetic location: 7q36.3.
Variant type: single nucleotide variant.
Coding change: c.-125G>A on transcript NM_000193.4 (MANE Select); 125 bases upstream of the start codon, G replaced by A.
Molecular consequence: 5 prime UTR variant.
Genome position (GRCh38, 1-based): chr7:155,812,247, C>T on the plus strand (G>A on the coding strand, the complement: SHH is on the minus strand). VCF-style: chr7-155812247-C-T. GRCh37 (hg19) VCF-style: chr7-155604941-C-T.
Identifiers: ClinVar variation 403436 (VCV000403436.32), dbSNP rs9333594, ClinGen allele CA12657703.
Genomic context (GRCh38, chr7:155,812,247, plus strand): 5'-CGGGTGTGTGCGTGTGCGCTCTCTCTTGCGCTTTCCCTTCCTCGCTCCGGCTCGCCCGCT[C>T]GCTCTCTCCCTCGCTGGCTGCCTCGCTCTTTCTCTTCCTATATAACCTTGCCCGCCGCGG-3'

ClinVar aggregate classification (germline): Benign. Review status: criteria provided, multiple submitters, no conflicts (2 of 4 stars). 6 submissions from 6 submitters: Benign (6). Last evaluated 2024-12-02.

Conditions:
Holoprosencephaly 3 (HPE3). Identifiers: Orphanet 2162, MedGen C1840529, MONDO:0007733, OMIM 142945.

Allele frequency attached by ClinVar (database versions not stated): 1000 Genomes Project 30x 0.06746; 1000 Genomes Project 0.06809; TOPMed 0.07612; gnomAD 0.07629 and 0.07860.
gnomAD v4.1: 55,522 of 905,020 alleles (6.1%); highest among the groups gnomAD compares: African/African-American, 12%; 1,968 homozygotes.

Submissions (6):

Labcorp Genetics (formerly Invitae), Labcorp
Classification: Benign for Holoprosencephaly 3. Last evaluated: 2024-12-02. Review status: criteria provided, single submitter. Criteria: Invitae Variant Classification Sherloc (09022015). Collection method: clinical testing. Allele origin: germline.

ARUP Laboratories, Molecular Genetics and Genomics, ARUP Laboratories
Classification: Benign. Last evaluated: 2023-10-09. Review status: criteria provided, single submitter. Criteria: ARUP Molecular Germline Variant Investigation Process 2024. Collection method: clinical testing. Allele origin: germline.

GeneDx
Classification: Benign. Last evaluated: 2018-07-07. Review status: criteria provided, single submitter. Criteria: GeneDx Variant Classification Process June 2021. Collection method: clinical testing. Allele origin: germline. Affected: yes.
Comment: This variant is associated with the following publications: (PMID: 27884173, 18252212)

Eurofins Ntd Llc (ga)
Classification: Benign. Last evaluated: 2018-05-30. Review status: criteria provided, single submitter. Criteria: EGL ClinVar v180209 classification definitions. Collection method: clinical testing. Allele origin: germline. Observed: 2 variant alleles, 2 heterozygotes.

Laboratory for Molecular Medicine, Mass General Brigham Personalized Medicine
Classification: Benign. Last evaluated: 2016-03-28. Review status: criteria provided, single submitter. Criteria: LMM Criteria. Collection method: clinical testing. Allele origin: germline.
Comment: Variant identified in a genome or exome case(s) and assessed due to predicted null impact of the variant or pathogenic assertions in the literature or databases. Disclaimer: This variant has not undergone full assessment. The following are preliminary notes: Frequency in ESP (all): 140/2178= 6.42%

Breakthrough Genomics
Classification: Benign. Review status: criteria provided, single submitter. Criteria: ACMG Guidelines, 2015. Collection method: not provided. Allele origin: germline. Inheritance: Autosomal dominant inheritance. Affected: yes.